The following is an entry in ClinVar:

ClinVar aggregate classification (germline): Uncertain significance (1 of 4 stars; one submission).

Submission:

Labcorp Genetics (formerly Invitae), Labcorp
Classification: Uncertain significance. Last evaluated: 2021-08-09. Review status: criteria provided, single submitter. Criteria: Invitae Variant Classification Sherloc (09022015). Collection method: clinical testing. Allele origin: germline.
Comment: This variant, c.104_106del, results in the deletion of 1 amino acid(s) of the ADGRA3 protein (p.Gly35del), but otherwise preserves the integrity of the reading frame. The frequency data for this variant in the population databases is considered unreliable, as metrics indicate poor data quality at this position in the ExAC database. This variant has not been reported in the literature in individuals affected with ADGRA3-related conditions. Experimental studies and prediction algorithms are not available or were not evaluated, and the functional significance of this variant is currently unknown. In summary, the available evidence is currently insufficient to determine the role of this variant in disease. Therefore, it has been classified as a Variant of Uncertain Significance.

NM_145290.4(ADGRA3):c.89GCG[5] (p.Gly35del)

Gene: ADGRA3 (adhesion G protein-coupled receptor A3; minus strand). Cytogenetic location: 4p15.2.
Variant type: Microsatellite.
Coding change: c.89GCG[5] on transcript NM_145290.4 (MANE Select); five copies in a row of the 3-base unit GCG starting at c.89; the reference has six copies in a row; one copy, 3 bases deleted.
Protein change: p.Gly35del; deletes glycine 35.
Molecular consequence: inframe deletion.
Genome position (GRCh38, 1-based): chr4:22,515,679-22,515,681, CGC deleted on the plus strand (GCG on the coding strand, the reverse complement: ADGRA3 is on the minus strand); deleting any 3 consecutive bases within chr4:22,515,679-22,515,697 gives the same sequence; the position shown is the placement nearest the transcript's 3' end. VCF-style (leftmost placement, unchanged base first): chr4-22515678-GCGC-G. GRCh37 (hg19) VCF-style: chr4-22517301-GCGC-G.
Other names: short protein forms G35del.
Identifiers: ClinVar variation 1460981 (VCV001460981.6), dbSNP rs769005255, ClinGen allele CA2874401.
Genomic context (GRCh38, chr4:22,515,678, plus strand): 5'-GCCGCCCTGCCAGCCCCTCGGGGCCGCCCATCGTGCTTGCAGCCGGCGGGCAGCGCCGCG[GCGC>G]CGCCGCCGCCGCCGCCTCCCAGCAGCGCGAGCAGCGCTAACAGCGAGAGCGGCAGCAACA-3'